The following is an entry in ClinVar:

ClinVar aggregate classification (germline): Likely pathogenic (1 of 4 stars; one submission).

Submission:

GeneDx
Classification: Likely pathogenic. Last evaluated: 2024-08-14. Review status: criteria provided, single submitter. Criteria: GeneDx Variant Classification Process June 2021. Collection method: clinical testing. Allele origin: germline. Affected: yes.
Comment: Identified in a patient with schizophrenia in published literature; however clinical details and segregation data were not provided (PMID: 24463508); Published functional studies suggest a damaging effect, including hinderance of holoenzyme formation, GluN2B binding, T286 autophosphorylation, and synaptic localization of CaMKII (PMID: 34667946); Nonsense variant predicted to result in protein truncation or nonsense mediated decay in a gene or region of a gene for which loss of function is not a well-established mechanism of disease; This variant is associated with the following publications: (PMID: 24463508, 34667946)

NM_015981.4(CAMK2A):c.1219C>T (p.Arg407Ter)

Gene: CAMK2A (calcium/calmodulin dependent protein kinase II alpha; minus strand). Cytogenetic location: 5q32.
Variant type: single nucleotide variant.
Coding change: c.1219C>T on transcript NM_015981.4 (MANE Select); coding-DNA position 1219, C replaced by T.
Protein change: p.Arg407Ter; replaces arginine 407 with a stop codon.
Molecular consequence: nonsense.
Genome position (GRCh38, 1-based): chr5:150,228,210, G>A on the plus strand (C>T on the coding strand, the complement: CAMK2A is on the minus strand). VCF-style: chr5-150228210-G-A. GRCh37 (hg19) VCF-style: chr5-149607773-G-A.
Other names: c.1219C>T, p.Arg407Ter (NM_001363989.1); c.1186C>T, p.Arg396Ter (NM_001363990.1, NM_001369025.2, NM_171825.3); short protein forms R407*, R396*.
Identifiers: ClinVar variation 3731164 (VCV003731164.1).